The following is an entry in ClinVar:

ClinVar aggregate classification (germline): Uncertain significance (1 of 4 stars; one submission).

Submission:

GeneDx
Classification: Uncertain significance. Last evaluated: 2021-04-21. Review status: criteria provided, single submitter. Criteria: GeneDx Variant Classification Process June 2021. Collection method: clinical testing. Allele origin: germline. Affected: yes.
Comment: Not observed in large population cohorts (Lek et al., 2016); In silico analysis supports that this missense variant has a deleterious effect on protein structure/function; Has not been previously published as pathogenic or benign to our knowledge

NM_198334.3(GANAB):c.1193A>G (p.Gln398Arg)

Gene: GANAB (glucosidase II alpha subunit; minus strand). Cytogenetic location: 11q12.3.
Variant type: single nucleotide variant.
Coding change: c.1193A>G on transcript NM_198334.3 (MANE Select); coding-DNA position 1193, A replaced by G.
Protein change: p.Gln398Arg; replaces glutamine 398 with arginine.
Molecular consequence: missense variant.
Genome position (GRCh38, 1-based): chr11:62,630,794, T>C on the plus strand (A>G on the coding strand, the complement: GANAB is on the minus strand). VCF-style: chr11-62630794-T-C. GRCh37 (hg19) VCF-style: chr11-62398266-T-C.
Other names: c.917A>G, p.Gln306Arg (NM_001278192.2); c.851A>G, p.Gln284Arg (NM_001278193.2); c.902A>G, p.Gln301Arg (NM_001278194.2, NM_001329222.2, NM_001329223.2); c.470A>G, p.Gln157Arg (NM_001329224.2, NM_001329225.2); c.1259A>G, p.Gln420Arg (NM_198335.4); short protein forms Q157R, Q284R, Q301R, Q306R, Q398R, Q420R.
Identifiers: ClinVar variation 1314899 (VCV001314899.2), dbSNP rs2134480476, ClinGen allele CA380993781.